The following is an entry in ClinVar:

ClinVar aggregate classification (germline): Conflicting classifications of pathogenicity. Review status: criteria provided, conflicting classifications (1 of 4 stars). 2 submissions from 2 submitters: Uncertain significance (1); Likely benign (1). Last evaluated 2025-06-11.

Conditions:
Fanconi anemia (FA). Also called: Fanconi's anemia. Identifiers: Orphanet 84, MedGen C0015625, MeSH D005199, MONDO:0019391.

Submissions (2):

Labcorp Genetics (formerly Invitae), Labcorp
Classification: Likely benign for Fanconi anemia. Last evaluated: 2025-06-11. Review status: criteria provided, single submitter. Criteria: Invitae Variant Classification Sherloc (09022015). Collection method: clinical testing. Allele origin: germline.

Quest Diagnostics Nichols Institute San Juan Capistrano
Classification: Uncertain significance. Last evaluated: 2024-10-27. Review status: criteria provided, single submitter. Criteria: Quest Diagnostics criteria. Collection method: clinical testing. Allele origin: unknown.
Comment: The FANCM c.6008+8_6008+11del variant has not been reported in individuals with FANCM-related conditions in the published literature. The frequency of this variant in the general population, 0.0000041 (1/246172 chromosomes (Genome Aggregation Database)), is uninformative in the assessment of its pathogenicity. Analysis of this variant using software algorithms for the prediction of the effect of nucleotide changes on splicing yielded predictions that this variant does not affect FANCM mRNA splicing. Based on the available information, we are unable to determine the clinical significance of this variant.

NM_020937.4(FANCM):c.6008+8_6008+11del

Gene: FANCM (FA complementation group M; plus strand). Cytogenetic location: 14q21.2.
Variant type: Deletion.
Coding change: c.6008+8_6008+11del on transcript NM_020937.4 (MANE Select); bases 8 to 11 of the intron after coding-DNA position 6008, 4 bases deleted (TGTT; older notation c.6008+8_6008+11delTGTT).
Molecular consequence: intron variant.
Genome position (GRCh38, 1-based): chr14:45,198,943-45,198,946, TGTT deleted. VCF-style (leftmost placement, unchanged base first): chr14-45198942-CTGTT-C. GRCh37 (hg19) VCF-style: chr14-45668145-CTGTT-C.
Other names: c.5930+8_5930+11del (NM_001308133.2).
Identifiers: ClinVar variation 3572301 (VCV003572301.2).